The following is an entry in ClinVar:

ClinVar aggregate classification (germline): Pathogenic (1 of 4 stars; one submission).

Submission:

Labcorp Genetics (formerly Invitae), Labcorp
Classification: Pathogenic. Last evaluated: 2021-08-23. Review status: criteria provided, single submitter. Criteria: Invitae Variant Classification Sherloc (09022015). Collection method: clinical testing. Allele origin: germline.
Comment: For these reasons, this variant has been classified as Pathogenic. This variant has not been reported in the literature in individuals affected with FRMD7-related conditions. This variant is a gross deletion of the genomic region encompassing exon(s) 1-5 of the FRMD7 gene, which includes the initiator codon. This deletion extends beyond the assayed region for this gene and therefore may encompass additional genes. It is expected to result in an absent or disrupted protein product. Loss-of-function variants in FRMD7 are known to be pathogenic (PMID: 17013395).

Literature cited by the submitters: PubMed 17013395.

NC_000023.10:g.(?_131228050)_(131261872_?)del

Gene: FRMD7 (FERM domain containing 7; minus strand). Cytogenetic location: Xq26.2.
Variant type: Deletion.
Identifiers: ClinVar variation 1459391 (VCV001459391.4).